The following is an entry in ClinVar:

NM_001267550.2(TTN):c.10852C>T (p.Gln3618Ter)

Gene: TTN (titin; minus strand). Cytogenetic location: 2q31.2.
Variant type: single nucleotide variant.
Coding change: c.10852C>T on transcript NM_001267550.2 (MANE Select); coding-DNA position 10852, C replaced by T.
Protein change: p.Gln3618Ter; replaces glutamine 3618 with a stop codon.
Molecular consequence: nonsense. On other transcripts: intron variant (5).
Genome position (GRCh38, 1-based): chr2:178,756,624, G>A on the plus strand (C>T on the coding strand, the complement: TTN is on the minus strand). VCF-style: chr2-178756624-G-A. GRCh37 (hg19) VCF-style: chr2-179621351-G-A.
Other names: c.10852C>T (LRG_391t1); c.10339C>T, p.Gln3447Ter (NM_133437.4); c.10165+2360C>T (NM_003319.4); c.10540+918C>T (NM_133432.3); c.10303+2360C>T (NM_133378.4, NM_001256850.1, NM_133379.5); short protein forms Q3618*, Q3447*.
Identifiers: ClinVar variation 223254 (VCV000223254.3), dbSNP rs779064556, ClinGen allele CA351349.
Genomic context (GRCh38, chr2:178,756,624, plus strand): 5'-GGGATGCAGTATGGCACAACTGTGTATCTTGAACAGATGCAGCTGTGTGGATGGAACTTT[G>A]AGATACACTTTCAAAAACCTGCACTTCATATTCATATGATGATCCTTGAAATGACTTAAT-3'

ClinVar aggregate classification (germline): Conflicting classifications of pathogenicity. Review status: criteria provided, conflicting classifications (1 of 4 stars). 4 submissions from 3 submitters: Likely pathogenic (1); Uncertain significance (1). 2 of the submissions do not count toward it. Last evaluated 2022-10-03.

Conditions:
Autosomal recessive limb-girdle muscular dystrophy type 2J (LGMDR10). Also called: MUSCULAR DYSTROPHY, LIMB-GIRDLE, AUTOSOMAL RECESSIVE 10; Limb-girdle muscular dystrophy, type 2J. Identifiers: Orphanet 140922, MedGen C1837342, MONDO:0012127, OMIM 608807.
Tibial muscular dystrophy (TMD). Also called: Udd Distal Myopathy – Tibial Muscular Dystrophy; UDD MYOPATHY; Tibial muscular dystrophy, tardive. Identifiers: Orphanet 609, MedGen C1838244, MONDO:0010870, OMIM 600334.
Dilated cardiomyopathy 1G (CMD1G). Identifiers: Orphanet 154, MedGen C1858763, MONDO:0011400, OMIM 604145.
Early-onset myopathy with fatal cardiomyopathy (CMYO5). Also called: CONGENITAL MYOPATHY 5 WITH CARDIOMYOPATHY; Salih Myopathy. Identifiers: Orphanet 289377, MedGen C2673677, MONDO:0012714, OMIM 611705. Disease mechanism: loss of function.
Hypertrophic cardiomyopathy 9. Also called: Familial hypertrophic cardiomyopathy 9. Identifiers: MedGen C1861065, MONDO:0013412, OMIM 613765.
Primary dilated cardiomyopathy (DCM). Also called: Dilated Cardiomyopathy. Identifiers: Orphanet 217604, MedGen C0007193, MeSH D002311, MONDO:0005021, HP:0001644. Inheritance: Various modes of inheritance.

Allele frequency attached by ClinVar (database versions not stated): ExAC 0.00001; gnomAD 0.00001 and 0.00002; TOPMed 0.00002; gnomAD exomes 0.00003.
gnomAD v4.1: 41 of 1,613,586 alleles (0.0025%); highest among the groups gnomAD compares: Non-Finnish European, 0.0032%; no homozygotes.

Submissions (4):

Department of Pathology and Laboratory Medicine, Sinai Health System
Classification: Likely pathogenic for Tibial muscular dystrophy; Autosomal recessive limb-girdle muscular dystrophy type 2J; Dilated cardiomyopathy 1G; Early-onset myopathy with fatal cardiomyopathy; Hypertrophic cardiomyopathy 9. Last evaluated: 2022-10-03. Review status: criteria provided, single submitter. Criteria: ACMG Guidelines, 2015. Collection method: research. Allele origin: germline.

Cardiovascular Biomedical Research Unit, Royal Brompton & Harefield NHS Foundation Trust
Classification: Uncertain significance for Primary dilated cardiomyopathy. Last evaluated: 2014-10-08. Review status: criteria provided, single submitter. Criteria: Roberts et al. 2015. Collection method: research. Allele origin: germline. Inheritance: Autosomal dominant inheritance. Affected: no. Observed: 1 variant allele. Study: Healthy Volunteers.
Comment: This TTN truncating variant (TTNtv) was identified in one individual in this cohort and is located in an exon with low levels of cardiac expression. In the seven cohorts assessed, TTNtv were found in 14% of ambulant DCM, 22% end-stage or familial DCM, and 2% controls. Heterozygous nonsense, frameshift and canonical splice-disrupting variants found in constitutive and other highly utilised exons are highly likely to be pathogenic when identified in individuals with phenotypically confirmed DCM. TTNtv found incidentally in healthy individuals (excluding familial assessment of DCM relatives) are thought to have low penetrance, particularly when identified in exons that are not constitutively expressed in the heart.

Cardiogenetics and Myogenetics Molecular and Cellular Functional Unit, Aphp Sorbonne University-Hopital Pitie Salpetriere
Classification: Likely pathogenic for Dilated cardiomyopathy 1G. Last evaluated: 2024-01-06. Review status: no assertion criteria provided. Collection method: clinical testing. Allele origin: germline. Affected: yes. Not counted in ClinVar's aggregate classification.

Cardiovascular Biomedical Research Unit, Royal Brompton & Harefield NHS Foundation Trust
Classification: Uncertain significance for Primary dilated cardiomyopathy. Last evaluated: 2014-10-08. Review status: flagged submission. Criteria: Roberts et al. 2015. Collection method: research. Allele origin: germline. Inheritance: Autosomal dominant inheritance. Affected: no. Observed: 1 variant allele. Study: FHS cohort. Not counted in ClinVar's aggregate classification.
Comment: the same text as in the submission from Cardiovascular Biomedical Research Unit, Royal Brompton & Harefield NHS Foundation Trust above.
ClinVar note: Reason: This record appears to be redundant with a more recent record from the same submitter.
ClinVar note: Notes: SCV000189727 appears to be redundant with SCV000189716.